The following is an entry in ClinVar:

ClinVar aggregate classification (germline): Pathogenic (1 of 4 stars; one submission).

Submission:

CeGaT Center for Human Genetics Tuebingen
Classification: Pathogenic. Last evaluated: 2026-03-01. Review status: criteria provided, single submitter. Criteria: CeGaT Center For Human Genetics Tuebingen Variant Classification Criteria Version 2. Collection method: clinical testing. Allele origin: germline. Affected: yes. Observed: 1 variant allele.
Comment: CLTC: PVS1, PM2

NM_004859.4(CLTC):c.1591C>T (p.Gln531Ter)

Gene: CLTC (clathrin heavy chain; plus strand). Cytogenetic location: 17q23.1.
Variant type: single nucleotide variant.
Coding change: c.1591C>T on transcript NM_004859.4 (MANE Select); coding-DNA position 1591, C replaced by T.
Protein change: p.Gln531Ter; replaces glutamine 531 with a stop codon.
Molecular consequence: nonsense.
Genome position (GRCh38, 1-based): chr17:59,664,856, C>T. VCF-style: chr17-59664856-C-T. GRCh37 (hg19) VCF-style: chr17-57742217-C-T.
Other names: c.1603C>T, p.Gln535Ter (NM_001288653.2); short protein forms Q531*, Q535*.
Identifiers: ClinVar variation 4823839 (VCV004823839.4).